The following is an entry in ClinVar:

NM_003413.4(ZIC3):c.103A>G (p.Met35Val)

Gene: ZIC3 (Zic family zinc finger 3; plus strand). Cytogenetic location: Xq26.3.
Variant type: single nucleotide variant.
Coding change: c.103A>G on transcript NM_003413.4 (MANE Select); coding-DNA position 103, A replaced by G.
Protein change: p.Met35Val; replaces methionine 35 with valine.
Molecular consequence: missense variant.
Genome position (GRCh38, 1-based): chrX:137,566,794, A>G. VCF-style: chrX-137566794-A-G. GRCh37 (hg19) VCF-style: chrX-136648953-A-G.
Other names: c.103A>G, p.Met35Val (NM_001330661.1); short protein forms M35V.
Identifiers: ClinVar variation 3764593 (VCV003764593.1).

ClinVar aggregate classification (germline): Uncertain significance (1 of 4 stars; one submission).

Conditions:
ZIC3-related disorder. Also called: ZIC3-related condition; ZIC3-Related Disorders.

gnomAD v4.1: 3 of 1,177,031 alleles (0.00025%); highest among the groups gnomAD compares: Admixed American, 0.0049%; no homozygotes.

Submission:

Daryl Scott Lab, Baylor College of Medicine
Classification: Uncertain significance for ZIC3-related disorder. Last evaluated: 2024-01-01. Review status: criteria provided, single submitter. Criteria: ACMG Guidelines, 2015. Collection method: clinical testing. Allele origin: maternal. Observed: 1 heterozygote.
Comment: PP3